The following is an entry in ClinVar:

NM_001365536.1(SCN9A):c.3802-13del

Genes: SCN1A-AS1 (SCN1A and SCN9A antisense RNA 1; plus strand), SCN9A (sodium voltage-gated channel alpha subunit 9; minus strand). Cytogenetic location: 2q24.3.
Variant type: Deletion.
Coding change: c.3802-13del on transcript NM_001365536.1 (MANE Select); 13 bases into the intron before coding-DNA position 3802, one base deleted (G; older notation c.3802-13delG).
Molecular consequence: intron variant.
Genome position (GRCh38, 1-based): chr2:166,233,475, C deleted on the plus strand (G on the coding strand, the reverse complement: SCN9A is on the minus strand). VCF-style (leftmost placement, unchanged base first): chr2-166233474-AC-A. GRCh37 (hg19) VCF-style: chr2-167089984-AC-A.
Other names: c.3769-13delG (NM_002977.3); c.3769-13del (NM_002977.4).
Identifiers: ClinVar variation 420840 (VCV000420840.9), dbSNP rs747729984, ClinGen allele CA1943995.
Genomic context (GRCh38, chr2:166,233,474, plus strand): 5'-CAAGATCTGAGTAGCCAAGAGTGTTTGCCACTAAAGTAACCAAAGAAACCTATAAAAATA[AC>A]ATTTTCATTAATTGTGTCAATAAAATGATGAAGCATAAAAGGAAAAAGTCAATTCTGAAA-3'

ClinVar aggregate classification (germline): Likely benign. Review status: criteria provided, multiple submitters, no conflicts (2 of 4 stars). 2 submissions from 2 submitters: Likely benign (2). Last evaluated 2026-01-26.

Conditions:
Generalized epilepsy with febrile seizures plus, type 7 (GEFSP7). Also called: GEFS+, TYPE 7. Identifiers: Orphanet 36387, MedGen C2751778, MONDO:0013470, OMIM 613863.
Neuropathy, hereditary sensory and autonomic, type 2A (HSAN2A). Also called: HSAN IIA; MORVAN DISEASE; NEUROPATHY, CONGENITAL SENSORY; NEUROPATHY, HEREDITARY SENSORY RADICULAR, AUTOSOMAL RECESSIVE; NEUROPATHY, HEREDITARY SENSORY, TYPE IIA; NEUROPATHY, PROGRESSIVE SENSORY, OF CHILDREN. Identifiers: Orphanet 970, MedGen C2752089, MONDO:0024309, OMIM 201300.

Allele frequency attached by ClinVar (database versions not stated): ExAC 0.00003; gnomAD exomes 0.00004 and 0.00014; TOPMed 0.00006; gnomAD 0.00007; ESP Exome Variant Server 0.00009.

Submissions (2):

Labcorp Genetics (formerly Invitae), Labcorp
Classification: Likely benign for Neuropathy, hereditary sensory and autonomic, type 2A; Generalized epilepsy with febrile seizures plus, type 7. Last evaluated: 2026-01-26. Review status: criteria provided, single submitter. Criteria: Invitae Variant Classification Sherloc (09022015). Collection method: clinical testing. Allele origin: germline.

GeneDx
Classification: Likely benign. Last evaluated: 2016-04-07. Review status: criteria provided, single submitter. Criteria: GeneDx Variant Classification (06012015). Collection method: clinical testing. Allele origin: germline. Affected: yes.
Comment: This variant is considered likely benign or benign based on one or more of the following criteria: it is a conservative change, it occurs at a poorly conserved position in the protein, it is predicted to be benign by multiple in silico algorithms, and/or has population frequency not consistent with disease.